The following is an entry in ClinVar:

NM_031935.3(HMCN1):c.10661G>T (p.Gly3554Val)

Gene: HMCN1 (hemicentin 1; plus strand). Cytogenetic location: 1q31.1.
Variant type: single nucleotide variant.
Coding change: c.10661G>T on transcript NM_031935.3 (MANE Select); coding-DNA position 10661, G replaced by T.
Protein change: p.Gly3554Val; replaces glycine 3554 with valine.
Molecular consequence: missense variant.
Genome position (GRCh38, 1-based): chr1:186,103,559, G>T. VCF-style: chr1-186103559-G-T. GRCh37 (hg19) VCF-style: chr1-186072691-G-T.
Other names: c.10661G>T (NM_031935.2); short protein forms G3554V.
Identifiers: ClinVar variation 2071894 (VCV002071894.8), dbSNP rs79568371, ClinGen allele CA1293786.

ClinVar aggregate classification (germline): Conflicting classifications of pathogenicity. Review status: criteria provided, conflicting classifications (1 of 4 stars). 3 submissions from 3 submitters: Uncertain significance (1); Likely benign (1). 1 of the submissions does not count toward it. Last evaluated 2026-01-12.

Conditions:
HMCN1-related disorder. Also called: HMCN1-related condition.

Allele frequency attached by ClinVar (database versions not stated): TOPMed 0.00014; 1000 Genomes Project 0.00020; 1000 Genomes Project 30x 0.00031; gnomAD exomes 0.00031; ESP Exome Variant Server 0.00038; gnomAD 0.00040; ExAC 0.00055.
gnomAD v4.1: 504 of 1,613,808 alleles (0.031%); highest among the groups gnomAD compares: Non-Finnish European, 0.022%; no homozygotes.

Submissions (6):

Labcorp Genetics (formerly Invitae), Labcorp
Classification: Likely benign. Last evaluated: 2026-01-12. Review status: criteria provided, single submitter. Criteria: Invitae Variant Classification Sherloc (09022015). Collection method: clinical testing. Allele origin: germline.

Ambry Genetics
Classification: Uncertain significance. Last evaluated: 2025-09-22. Review status: criteria provided, single submitter. Criteria: Ambry Variant Classification Scheme 2023. Collection method: clinical testing. Allele origin: germline.

PreventionGenetics, part of Exact Sciences
Classification: Likely benign for HMCN1-related condition. Last evaluated: 2021-03-05. Review status: no assertion criteria provided. Collection method: clinical testing. Allele origin: germline. Not counted in ClinVar's aggregate classification.
Comment: This variant is classified as likely benign based on ACMG/AMP sequence variant interpretation guidelines (Richards et al. 2015 PMID: 25741868, with internal and published modifications).

Dr. Peter K. Rogan Lab, Western University
No classification provided (evidence only). Condition: Familial cancer of breast. Review status: no classification provided. Collection method: in vitro. Allele origin: not applicable. Functional consequence: cryptic splice site. Not counted in ClinVar's aggregate classification.

Dr. Peter K. Rogan Lab, Western University
No classification provided (evidence only). Condition: Familial cancer of breast. Review status: no classification provided. Collection method: in vitro. Allele origin: not applicable. Functional consequence: cryptic splice site. Not counted in ClinVar's aggregate classification.

Dr. Peter K. Rogan Lab, Western University
No classification provided (evidence only). Condition: Colorectal cancer. Review status: no classification provided. Collection method: in vitro. Allele origin: not applicable. Functional consequence: cryptic splice site. Not counted in ClinVar's aggregate classification.